The following is an entry in ClinVar:

ClinVar aggregate classification (germline): Uncertain significance. Review status: criteria provided, multiple submitters, no conflicts (2 of 4 stars). 5 submissions from 4 submitters: Uncertain significance (5). Last evaluated 2025-05-02.

Conditions:
Inborn genetic diseases. Identifiers: MedGen C0950123, MeSH D030342.
Usher syndrome type 2A. Also called: RETINAL DISEASE IN USHER SYNDROME TYPE IIA, MODIFIER OF; USHER SYNDROME, TYPE IIA. Identifiers: Orphanet 231178, Orphanet 886, MedGen C1848634, MONDO:0010169, OMIM 276901.
Retinitis pigmentosa 39 (RP39). Identifiers: Orphanet 791, MedGen C3151138, MONDO:0013436, OMIM 613809.

Allele frequency attached by ClinVar (database versions not stated): ExAC 0.00001; gnomAD exomes 0.00002; TOPMed 0.00006; gnomAD 0.00008 and 0.00010.
gnomAD v4.1: 19 of 1,614,034 alleles (0.0012%); highest among the groups gnomAD compares: African/African-American, 0.021%; no homozygotes.

Submissions (5):

Ambry Genetics
Classification: Uncertain significance for Inborn genetic diseases. Last evaluated: 2025-05-02. Review status: criteria provided, single submitter. Criteria: Ambry Variant Classification Scheme 2023. Collection method: clinical testing. Allele origin: germline.

Labcorp Genetics (formerly Invitae), Labcorp
Classification: Uncertain significance. Last evaluated: 2024-10-15. Review status: criteria provided, single submitter. Criteria: Invitae Variant Classification Sherloc (09022015). Collection method: clinical testing. Allele origin: germline.
Comment: This sequence change replaces proline, which is neutral and non-polar, with threonine, which is neutral and polar, at codon 2646 of the USH2A protein (p.Pro2646Thr). This variant is present in population databases (rs760777446, gnomAD 0.02%). This variant has not been reported in the literature in individuals affected with USH2A-related conditions. ClinVar contains an entry for this variant (Variation ID: 1469633). Invitae Evidence Modeling of protein sequence and biophysical properties (such as structural, functional, and spatial information, amino acid conservation, physicochemical variation, residue mobility, and thermodynamic stability) indicates that this missense variant is not expected to disrupt USH2A protein function with a negative predictive value of 95%. In summary, the available evidence is currently insufficient to determine the role of this variant in disease. Therefore, it has been classified as a Variant of Uncertain Significance.

Genome-Nilou Lab
Classification: Uncertain significance for Retinitis pigmentosa 39. Last evaluated: 2023-11-04. Review status: criteria provided, single submitter. Criteria: ACMG Guidelines, 2015. Collection method: clinical testing. Allele origin: germline. Affected: no.

Genome-Nilou Lab
Classification: Uncertain significance for Usher syndrome type 2A. Last evaluated: 2023-11-04. Review status: criteria provided, single submitter. Criteria: ACMG Guidelines, 2015. Collection method: clinical testing. Allele origin: germline. Affected: no.

GeneDx
Classification: Uncertain significance. Last evaluated: 2022-07-06. Review status: criteria provided, single submitter. Criteria: GeneDx Variant Classification Process June 2021. Collection method: clinical testing. Allele origin: germline. Affected: yes.
Comment: In silico analysis supports that this missense variant has a deleterious effect on protein structure/function; Has not been previously published as pathogenic or benign to our knowledge

NM_206933.4(USH2A):c.7936C>A (p.Pro2646Thr)

Gene: USH2A (usherin; minus strand). Cytogenetic location: 1q41.
Variant type: single nucleotide variant.
Coding change: c.7936C>A on transcript NM_206933.4 (MANE Select); coding-DNA position 7936, C replaced by A.
Protein change: p.Pro2646Thr; replaces proline 2646 with threonine.
Molecular consequence: missense variant.
Genome position (GRCh38, 1-based): chr1:215,888,713, G>T on the plus strand (C>A on the coding strand, the complement: USH2A is on the minus strand). VCF-style: chr1-215888713-G-T. GRCh37 (hg19) VCF-style: chr1-216062055-G-T.
Other names: short protein forms P2646T.
Identifiers: ClinVar variation 1469633 (VCV001469633.10), dbSNP rs760777446, ClinGen allele CA1394714.
Genomic context (GRCh38, chr1:215,888,713, plus strand): 5'-TTCCTTTGACTCTTCTCTCAATTGTGAAATTCTCCACCAAGCCATTGGGGTGGGTAGGGG[G>T]TTGCCAAGATATAATCACAGATGTTGGAGTATCAGAGAACAGCTCTGGACTTGGGATCCC-3'
Protein context (NP_996816.3, residues 2636-2656): TPTSVIISWQ[Pro2646Thr]PTHPNGLVEN